The following is an entry in ClinVar:

NM_005445.4(SMC3):c.*297T>A

Gene: SMC3 (structural maintenance of chromosomes 3; plus strand). Cytogenetic location: 10q25.2.
Variant type: single nucleotide variant.
Coding change: c.*297T>A on transcript NM_005445.4 (MANE Select); 297 bases downstream of the stop codon, T replaced by A.
Molecular consequence: 3 prime UTR variant.
Genome position (GRCh38, 1-based): chr10:110,604,599, T>A. VCF-style: chr10-110604599-T-A. GRCh37 (hg19) VCF-style: chr10-112364357-T-A.
Identifiers: ClinVar variation 298782 (VCV000298782.5), dbSNP rs188322637, ClinGen allele CA10634916.

ClinVar aggregate classification (germline): Benign (1 of 4 stars; one submission).

Conditions:
Cornelia de Lange syndrome 3 (CDLS3). Also called: CORNELIA DE LANGE SYNDROME 3 WITH OR WITHOUT MIDLINE BRAIN DEFECTS; SMC3-Related Cornelia de Lange Syndrome. Identifiers: Orphanet 199, MedGen C1853099, MONDO:0012555, OMIM 610759.

Allele frequency attached by ClinVar (database versions not stated): gnomAD exomes 0.00014; 1000 Genomes Project 30x 0.00109; TOPMed 0.00124; gnomAD 0.00143 and 0.00157; 1000 Genomes Project 0.00160.

Submission:

Illumina Laboratory Services, Illumina
Classification: Benign for Cornelia de Lange syndrome 3. Last evaluated: 2018-01-12. Review status: criteria provided, single submitter. Criteria: ICSL Variant Classification Criteria 13 December 2019. Collection method: clinical testing. Allele origin: germline.
Comment: This variant was observed in the ICSL laboratory as part of a predisposition screen in an ostensibly healthy population. It had not been previously curated by ICSL or reported in the Human Gene Mutation Database (HGMD: prior to June 1st, 2018), and was therefore a candidate for classification through an automated scoring system. Utilizing variant allele frequency, disease prevalence and penetrance estimates, and inheritance mode, an automated score was calculated to assess if this variant is too frequent to cause the disease. Based on the score and internal cut-off values, a variant classified as benign is not then subjected to further curation. The score for this variant resulted in a classification of benign for this disease.